The following is an entry in ClinVar:

NM_005765.3(ATP6AP2):c.1011C>A (p.Ser337Arg)

Gene: ATP6AP2 (ATPase H+ transporting accessory protein 2; plus strand). Cytogenetic location: Xp11.4.
Variant type: single nucleotide variant.
Coding change: c.1011C>A on transcript NM_005765.3 (MANE Select); coding-DNA position 1011, C replaced by A.
Protein change: p.Ser337Arg; replaces serine 337 with arginine.
Molecular consequence: missense variant.
Genome position (GRCh38, 1-based): chrX:40,605,713, C>A. VCF-style: chrX-40605713-C-A. GRCh37 (hg19) VCF-style: chrX-40464965-C-A.
Other names: short protein forms S337R.
Identifiers: ClinVar variation 1215329 (VCV001215329.3), dbSNP rs187617404, ClinGen allele CA328991839.
Genomic context (GRCh38, chrX:40,605,713, plus strand): 5'-GGCCTTGGCTGTGATTATCACCTCTTACAATATTTGGAACATGGATCCTGGATATGATAG[C>A]ATCATTTATAGGATGACAAACCAGAAGATTCGAATGGATTGAATGTTACCTGTGCCAGAA-3'
Protein context (NP_005756.2, residues 327-347): NIWNMDPGYD[Ser337Arg]IIYRMTNQKI

ClinVar aggregate classification (germline): Uncertain significance (1 of 4 stars; one submission).

Allele frequency attached by ClinVar (database versions not stated): gnomAD 0.00001; TOPMed below 0.00001.
gnomAD v4.1: 1 of 1,207,628 alleles (0.000083%); no homozygotes.

Submission:

GeneDx
Classification: Uncertain significance. Last evaluated: 2019-09-23. Review status: criteria provided, single submitter. Criteria: GeneDx Variant Classification Process June 2021. Collection method: clinical testing. Allele origin: germline. Affected: yes.
Comment: Not observed in large population cohorts (Lek et al., 2016); In silico analysis, which includes protein predictors and evolutionary conservation, supports a deleterious effect; Has not been previously published as pathogenic or benign to our knowledge